The following is an entry in ClinVar:

ClinVar aggregate classification (germline): Uncertain significance. Review status: criteria provided, multiple submitters, no conflicts (2 of 4 stars). 2 submissions from 2 submitters: Uncertain significance (2). Last evaluated 2025-08-15.

Conditions:
Hereditary cancer-predisposing syndrome. Also called: Hereditary Cancer Syndrome; Hereditary neoplastic syndrome; Neoplastic Syndromes, Hereditary; Tumor predisposition. Identifiers: Orphanet 140162, MedGen C0027672, MeSH D009386, MONDO:0015356.
Gastrointestinal stromal tumor. Also called: Gastrointestinal stromal tumor, somatic; Gastrointestinal stroma tumor. Identifiers: Orphanet 44890, MedGen C0238198, MeSH D046152, MONDO:0011719, OMIM 606764, HP:0100723.

Submissions (2):

Labcorp Genetics (formerly Invitae), Labcorp
Classification: Uncertain significance for Gastrointestinal stromal tumor. Last evaluated: 2025-08-15. Review status: criteria provided, single submitter. Criteria: Invitae Variant Classification Sherloc (09022015). Collection method: clinical testing. Allele origin: germline.
Comment: This sequence change replaces isoleucine, which is neutral and non-polar, with threonine, which is neutral and polar, at codon 935 of the KIT protein (p.Ile935Thr). This variant is not present in population databases (gnomAD no frequency). This variant has not been reported in the literature in individuals affected with KIT-related conditions. ClinVar contains an entry for this variant (Variation ID: 2568321). An algorithm developed to predict the effect of missense changes on protein structure and function (PolyPhen-2) suggests that this variant is likely to be tolerated. In summary, the available evidence is currently insufficient to determine the role of this variant in disease. Therefore, it has been classified as a Variant of Uncertain Significance.

Ambry Genetics
Classification: Uncertain significance for Hereditary cancer-predisposing syndrome. Last evaluated: 2023-06-12. Review status: criteria provided, single submitter. Criteria: Ambry Variant Classification Scheme 2023. Collection method: clinical testing. Allele origin: germline.
Comment: The p.I935T variant (also known as c.2804T>C), located in coding exon 21 of the KIT gene, results from a T to C substitution at nucleotide position 2804. The isoleucine at codon 935 is replaced by threonine, an amino acid with similar properties. This amino acid position is conserved. In addition, this alteration is predicted to be tolerated by in silico analysis. Since supporting evidence is limited at this time, the clinical significance of this alteration remains unclear.

NM_000222.3(KIT):c.2804T>C (p.Ile935Thr)

Gene: KIT (KIT proto-oncogene, receptor tyrosine kinase; plus strand). Cytogenetic location: 4q12.
Variant type: single nucleotide variant.
Coding change: c.2804T>C on transcript NM_000222.3 (MANE Select); coding-DNA position 2804, T replaced by C.
Protein change: p.Ile935Thr; replaces isoleucine 935 with threonine.
Molecular consequence: missense variant.
Genome position (GRCh38, 1-based): chr4:54,738,430, T>C. VCF-style: chr4-54738430-T-C. GRCh37 (hg19) VCF-style: chr4-55604596-T-C.
Other names: c.2792T>C, p.Ile931Thr (NM_001093772.2, NM_001385292.1); c.2807T>C, p.Ile936Thr (NM_001385284.1); c.2801T>C, p.Ile934Thr (NM_001385285.1); c.2789T>C, p.Ile930Thr (NM_001385286.1); c.2795T>C, p.Ile932Thr (NM_001385288.1); c.2804T>C, p.Ile935Thr (NM_001385290.1); short protein forms I931T, I932T, I936T, I934T, I935T, I930T.
Identifiers: ClinVar variation 2568321 (VCV002568321.3), dbSNP rs2475589112, ClinGen allele CA356915654.